The following is an entry in ClinVar:

ClinVar aggregate classification (germline): Conflicting classifications of pathogenicity. Review status: criteria provided, conflicting classifications (1 of 4 stars). 2 submissions from 2 submitters: Likely pathogenic (1); Uncertain significance (1). Last evaluated 2026-07-23.

Conditions:
KANK1-related disorder. Also called: KANK1-related condition.
Abnormal brain morphology. Also called: Abnormality of brain morphology. Identifiers: MedGen C4021085, HP:0012443.

Allele frequency attached by ClinVar (database versions not stated): ESP Exome Variant Server 0.00008.
gnomAD v4.1: 4 of 1,613,920 alleles (0.00025%); highest among the groups gnomAD compares: South Asian, 0.0044%; no homozygotes.

Submissions (2):

PreventionGenetics, part of Exact Sciences
Classification: Uncertain significance for KANK1-related condition. Last evaluated: 2026-07-23. Review status: criteria provided, single submitter. Criteria: ACMG Guidelines, 2015. Collection method: clinical testing. Allele origin: germline.
Comment: The KANK1 c.3237C>G variant is predicted to result in the amino acid substitution p.Ile1079Met. This variant has been reported in the homozygous state in an individual with intellectual disability, cerebral atrophy, hypotonia and facial hyperpigmentation (Table S1, Karaca et al. 2015. PubMed ID: 26539891). This variant is reported in 0.0033% of alleles in individuals of South Asian descent in gnomAD. At this time, the clinical significance of this variant is uncertain due to the absence of conclusive functional and genetic evidence.

Lupski Lab, Baylor-Hopkins CMG, Baylor College of Medicine
Classification: Likely pathogenic for Abnormal brain morphology. Review status: criteria provided, single submitter. Criteria: Karaca et al. (Neuron 2015). Collection method: research. Allele origin: inherited. Inheritance: Autosomal recessive inheritance. Affected: yes.

NM_015158.5(KANK1):c.3237C>G (p.Ile1079Met)

Gene: KANK1 (KN motif and ankyrin repeat domains 1; plus strand). Cytogenetic location: 9p24.3.
Variant type: single nucleotide variant.
Coding change: c.3237C>G on transcript NM_015158.5 (MANE Select); coding-DNA position 3237, C replaced by G.
Protein change: p.Ile1079Met; replaces isoleucine 1079 with methionine.
Molecular consequence: missense variant. On other transcripts: intron variant (5).
Genome position (GRCh38, 1-based): chr9:732,609, C>G. VCF-style: chr9-732609-C-G. GRCh37 (hg19) VCF-style: chr9-732609-C-G.
Other names: c.3237C>G, p.Ile1079Met (NM_001256876.3, NM_001256877.3, NM_001354334.2); c.3183C>G, p.Ile1061Met (NM_001354332.2); c.2763C>G, p.Ile921Met (NM_001354333.2, NM_001354335.2, NM_001354337.2 and 2 more transcripts); c.2709C>G, p.Ile903Met (NM_001354338.2, NM_001354340.2, NM_001354344.2); c.3005+1343C>G (NM_001354331.2); c.2477+1343C>G (NM_001354336.2); c.2531+1343C>G (NM_001354339.2, NM_001354343.2, NM_001354342.2); c.3237C>G (NM_015158.3); short protein forms I1079M, I921M, I903M, I1061M.
Identifiers: ClinVar variation 402188 (VCV000402188.2), dbSNP rs372628779, ClinGen allele CA16609520.
Genomic context (GRCh38, chr9:732,609, plus strand): 5'-GTCTGCCAGGGTGGAAGATGAAATGCAGGTTCAAGAATGTGAACCTGAGAAGGTGGAAAT[C>G]AGAGAGAGGTGTGGTACATTCCCCTTCCCTCCCTTGCCCCTCCCACATTTAATGTACTTT-3'
Protein context (NP_055973.2, residues 1069-1089): VQECEPEKVE[Ile1079Met]RERYELSEKM